The following is an entry in ClinVar:

NM_005475.3(SH2B3):c.74G>A (p.Gly25Asp)

Gene: SH2B3 (SH2B adaptor protein 3; plus strand). Cytogenetic location: 12q24.12.
Variant type: single nucleotide variant.
Coding change: c.74G>A on transcript NM_005475.3 (MANE Select); coding-DNA position 74, G replaced by A.
Protein change: p.Gly25Asp; replaces glycine 25 with aspartic acid.
Molecular consequence: missense variant.
Genome position (GRCh38, 1-based): chr12:111,418,219, G>A. VCF-style: chr12-111418219-G-A. GRCh37 (hg19) VCF-style: chr12-111856023-G-A.
Other names: short protein forms G25D.
Identifiers: ClinVar variation 4163914 (VCV004163914.1).

ClinVar aggregate classification (germline): Uncertain significance (1 of 4 stars; one submission).

Conditions:
Inborn genetic diseases. Identifiers: MedGen C0950123, MeSH D030342.

gnomAD v4.1: 2 of 1,582,048 alleles (0.00013%); highest among the groups gnomAD compares: African/African-American, 0.0014%; no homozygotes.

Submission:

Ambry Genetics
Classification: Uncertain significance for Inborn genetic diseases. Last evaluated: 2025-06-27. Review status: criteria provided, single submitter. Criteria: Ambry Variant Classification Scheme 2023. Collection method: clinical testing. Allele origin: germline.
Comment: The p.G25D variant (also known as c.74G>A), located in coding exon 1 of the SH2B3 gene, results from a G to A substitution at nucleotide position 74. The glycine at codon 25 is replaced by aspartic acid, an amino acid with similar properties. This amino acid position is conserved. In addition, this alteration is predicted to be tolerated by in silico analysis. Based on the available evidence, the clinical significance of this variant remains unclear.